The following is an entry in ClinVar:

NM_001128840.3(CACNA1D):c.5871+6C>T

Gene: CACNA1D (calcium voltage-gated channel subunit alpha1 D; plus strand). Cytogenetic location: 3p21.1.
Variant type: single nucleotide variant.
Coding change: c.5871+6C>T on transcript NM_001128840.3 (MANE Select); 6 bases into the intron after coding-DNA position 5871, C replaced by T.
Molecular consequence: intron variant.
Genome position (GRCh38, 1-based): chr3:53,808,776, C>T. VCF-style: chr3-53808776-C-T. GRCh37 (hg19) VCF-style: chr3-53842803-C-T.
Other names: c.5799+6C>T (NM_001128839.3); c.5931+6C>T (NM_000720.4).
Identifiers: ClinVar variation 1518236 (VCV001518236.7), dbSNP rs201867368, ClinGen allele CA2455290.

ClinVar aggregate classification (germline): Conflicting classifications of pathogenicity. Review status: criteria provided, conflicting classifications (1 of 4 stars). 2 submissions from 2 submitters: Uncertain significance (1); Likely benign (1). Last evaluated 2025-09-19.

Allele frequency attached by ClinVar (database versions not stated): ExAC 0.00002; gnomAD exomes 0.00002; TOPMed 0.00002; gnomAD 0.00003; 1000 Genomes Project 30x 0.00016; 1000 Genomes Project 0.00020.
gnomAD v4.1: 15 of 1,605,176 alleles (0.00093%); highest among the groups gnomAD compares: East Asian, 0.018%; no homozygotes.

Submissions (2):

Labcorp Genetics (formerly Invitae), Labcorp
Classification: Uncertain significance. Last evaluated: 2025-09-19. Review status: criteria provided, single submitter. Criteria: Invitae Variant Classification Sherloc (09022015). Collection method: clinical testing. Allele origin: germline.
Comment: This sequence change falls in intron 47 of the CACNA1D gene. It does not directly change the encoded amino acid sequence of the CACNA1D protein. It affects a nucleotide within the consensus splice site. The frequency data for this variant in the population databases is considered unreliable, as metrics indicate poor data quality at this position in the gnomAD database. This variant has not been reported in the literature in individuals affected with CACNA1D-related conditions. ClinVar contains an entry for this variant (Variation ID: 1518236). Variants that disrupt the consensus splice site are a relatively common cause of aberrant splicing (PMID: 17576681, 9536098). Algorithms developed to predict the effect of sequence changes on RNA splicing suggest that this variant is not likely to affect RNA splicing. In summary, the available evidence is currently insufficient to determine the role of this variant in disease. Therefore, it has been classified as a Variant of Uncertain Significance.

Blueprint Genetics
Classification: Likely benign. Last evaluated: 2023-11-15. Review status: criteria provided, single submitter. Criteria: ACMG Guidelines, 2015. Collection method: clinical testing. Allele origin: germline.

Literature cited by the submitters: PubMed 17576681 (cited by Labcorp Genetics (formerly Invitae), Labcorp); PubMed 9536098 (cited by Labcorp Genetics (formerly Invitae), Labcorp).